The following is an entry in ClinVar:

NM_152743.4(BRAT1):c.1550G>A (p.Arg517Lys)

Gene: BRAT1 (BRCA1 associated ATM activator 1; minus strand). Cytogenetic location: 7p22.3.
Variant type: single nucleotide variant.
Coding change: c.1550G>A on transcript NM_152743.4 (MANE Select); coding-DNA position 1550, G replaced by A.
Protein change: p.Arg517Lys; replaces arginine 517 with lysine.
Molecular consequence: missense variant. On other transcripts: non-coding transcript variant (1).
Genome position (GRCh38, 1-based): chr7:2,539,591, C>T on the plus strand (G>A on the coding strand, the complement: BRAT1 is on the minus strand). VCF-style: chr7-2539591-C-T. GRCh37 (hg19) VCF-style: chr7-2579225-C-T.
Other names: c.1550G>A, p.Arg517Lys (NM_001350626.2); c.1025G>A, p.Arg342Lys (NM_001350627.2); short protein forms R342K, R517K.
Identifiers: ClinVar variation 1523110 (VCV001523110.6), dbSNP rs759858132, ClinGen allele CA366627643.

ClinVar aggregate classification (germline): Uncertain significance (1 of 4 stars; one submission).

Conditions:
Neonatal-onset encephalopathy with rigidity and seizures. Also called: Lethal neonatal spasticity-epileptic encephalopathy syndrome. Identifiers: Orphanet 435845, MedGen C3281029, MONDO:0013784, OMIM 614498.

Allele frequency attached by ClinVar (database versions not stated): TOPMed below 0.00001.
gnomAD v4.1: 2 of 1,589,792 alleles (0.00013%); highest among the groups gnomAD compares: East Asian, 0.0046%; no homozygotes.

Submission:

Labcorp Genetics (formerly Invitae), Labcorp
Classification: Uncertain significance for Neonatal-onset encephalopathy with rigidity and seizures. Last evaluated: 2025-07-07. Review status: criteria provided, single submitter. Criteria: Invitae Variant Classification Sherloc (09022015). Collection method: clinical testing. Allele origin: germline.
Comment: This sequence change replaces arginine, which is basic and polar, with lysine, which is basic and polar, at codon 517 of the BRAT1 protein (p.Arg517Lys). The frequency data for this variant in the population databases is considered unreliable, as metrics indicate poor data quality at this position in the gnomAD database. This variant has not been reported in the literature in individuals affected with BRAT1-related conditions. ClinVar contains an entry for this variant (Variation ID: 1523110). Invitae Evidence Modeling of protein sequence and biophysical properties (such as structural, functional, and spatial information, amino acid conservation, physicochemical variation, residue mobility, and thermodynamic stability) has been performed for this missense variant. However, the output from this modeling did not meet the statistical confidence thresholds required to predict the impact of this variant on BRAT1 protein function. In summary, the available evidence is currently insufficient to determine the role of this variant in disease. Therefore, it has been classified as a Variant of Uncertain Significance.